The following is an entry in ClinVar:

NM_001042492.3(NF1):c.1134C>T (p.Asp378=)

Gene: NF1 (neurofibromin 1; plus strand). Cytogenetic location: 17q11.2.
Variant type: single nucleotide variant.
Coding change: c.1134C>T on transcript NM_001042492.3 (MANE Select); coding-DNA position 1134, C replaced by T.
Protein change: p.Asp378=; no amino-acid change (aspartic acid 378 retained).
Molecular consequence: synonymous variant.
Genome position (GRCh38, 1-based): chr17:31,201,108, C>T. VCF-style: chr17-31201108-C-T. GRCh37 (hg19) VCF-style: chr17-29528126-C-T.
Other names: c.1134C>T, p.Asp378= (NM_000267.4, NM_001128147.3).
Identifiers: ClinVar variation 766126 (VCV000766126.15), dbSNP rs781367679, ClinGen allele CA8485688.

ClinVar aggregate classification (germline): Benign/Likely benign. Review status: criteria provided, multiple submitters, no conflicts (2 of 4 stars). 4 submissions from 4 submitters: Benign (1); Likely benign (3). Last evaluated 2026-05-15.

Conditions:
Neurofibromatosis, type 1 (NF1). Also called: NEUROFIBROMATOSIS, TYPE I, SOMATIC; Peripheral type neurofibromatosis; VON RECKLINGHAUSEN DISEASE; Neurofibromatosis, type I. Identifiers: Orphanet 636, MedGen C0027831, MONDO:0018975, OMIM 162200. Disease mechanism: loss of function.
Cardiovascular phenotype. Identifiers: MedGen CN230736.
Hereditary cancer-predisposing syndrome. Also called: Tumor predisposition; Hereditary Cancer Syndrome; Hereditary neoplastic syndrome; Neoplastic Syndromes, Hereditary. Identifiers: Orphanet 140162, MedGen C0027672, MeSH D009386, MONDO:0015356.

Allele frequency attached by ClinVar (database versions not stated): gnomAD exomes 0.00002; ExAC 0.00004.
gnomAD v4.1: 6 of 1,614,112 alleles (0.00037%); highest among the groups gnomAD compares: Non-Finnish European, 0.00051%; no homozygotes.

Submissions (4):

Myriad Genetics, Inc.
Classification: Benign for Neurofibromatosis, type 1. Last evaluated: 2026-05-15. Review status: criteria provided, single submitter. Criteria: Myriad Autosomal Dominant, Autosomal Recessive and X-Linked Classification Criteria (2023). Collection method: clinical testing. Allele origin: unknown.
Comment: This variant is considered benign. This variant is a silent/synonymous amino acid change and it is not expected to impact splicing.

Labcorp Genetics (formerly Invitae), Labcorp
Classification: Likely benign for Neurofibromatosis, type 1. Last evaluated: 2025-09-02. Review status: criteria provided, single submitter. Criteria: Invitae Variant Classification Sherloc (09022015). Collection method: clinical testing. Allele origin: germline.

Genome-Nilou Lab
Classification: Likely benign for Neurofibromatosis, type 1. Last evaluated: 2022-03-15. Review status: criteria provided, single submitter. Criteria: ACMG Guidelines, 2015. Collection method: clinical testing. Allele origin: germline. Affected: no.

Ambry Genetics
Classification: Likely benign for Cardiovascular phenotype; Hereditary cancer-predisposing syndrome. Last evaluated: 2019-07-20. Review status: criteria provided, single submitter. Criteria: Ambry Variant Classification Scheme 2023. Collection method: clinical testing. Allele origin: germline.